The following is an entry in ClinVar:

NM_005592.4(MUSK):c.320G>A (p.Gly107Glu)

Gene: MUSK (muscle associated receptor tyrosine kinase; plus strand). Cytogenetic location: 9q31.3.
Variant type: single nucleotide variant.
Coding change: c.320G>A on transcript NM_005592.4 (MANE Select); coding-DNA position 320, G replaced by A.
Protein change: p.Gly107Glu; replaces glycine 107 with glutamic acid.
Molecular consequence: missense variant.
Genome position (GRCh38, 1-based): chr9:110,687,230, G>A. VCF-style: chr9-110687230-G-A. GRCh37 (hg19) VCF-style: chr9-113449510-G-A.
Other names: c.320G>A, p.Gly107Glu (NM_001166280.2, NM_001166281.2); short protein forms G107E.
Identifiers: ClinVar variation 259809 (VCV000259809.42), dbSNP rs55786136, ClinGen allele CA5183985.
Genomic context (GRCh38, chr9:110,687,230, plus strand): 5'-TGAGTGTGGAAGACAGTGATGATGGCATTTACTGCTGCACGGCCAACAATGGTGTGGGAG[G>A]AGCTGTGGAGAGTTGTGGAGCCCTGCAAGTGAAGATGAGTGAGTGGGAAACAGATTCGTC-3'
Protein context (NP_005583.1, residues 97-117): YCCTANNGVG[Gly107Glu]AVESCGALQV

ClinVar aggregate classification (germline): Benign/Likely benign. Review status: criteria provided, multiple submitters, no conflicts (2 of 4 stars). 6 submissions from 6 submitters: Benign (1); Likely benign (5). Last evaluated 2026-01-27.

Conditions:
Congenital myasthenic syndrome 9. Also called: Myasthenic syndrome, congenital, 9, associated with acetylcholine receptor deficiency. Identifiers: Orphanet 590, MedGen C4225368, MONDO:0014587, OMIM 616325.
Fetal akinesia deformation sequence 1 (FADS1). Also called: Fetal akinesia sequence; Pena-Shokeir syndrome type I. Identifiers: Orphanet 994, MedGen C1276035, MONDO:0100101, OMIM 208150, HP:0001989.

Allele frequency attached by ClinVar (database versions not stated): gnomAD 0.00337 and 0.00322; gnomAD exomes 0.00350 and 0.00328; ExAC 0.00367; 1000 Genomes Project 30x 0.00203; 1000 Genomes Project 0.00220; TOPMed 0.00226; ESP Exome Variant Server 0.00264.
gnomAD v4.1: 5,265 of 1,613,842 alleles (0.33%); highest among the groups gnomAD compares: Middle Eastern, 0.48%; 11 homozygotes.

Submissions (6):

Labcorp Genetics (formerly Invitae), Labcorp
Classification: Benign for Congenital myasthenic syndrome 9; Fetal akinesia deformation sequence 1. Last evaluated: 2026-01-27. Review status: criteria provided, single submitter. Criteria: Invitae Variant Classification Sherloc (09022015). Collection method: clinical testing. Allele origin: germline.

CeGaT Center for Human Genetics Tuebingen
Classification: Likely benign. Last evaluated: 2026-01-01. Review status: criteria provided, single submitter. Criteria: CeGaT Center For Human Genetics Tuebingen Variant Classification Criteria Version 2. Collection method: clinical testing. Allele origin: germline. Affected: yes. Observed: 3 variant alleles.
Comment: MUSK: BP4, BS1

Blueprint Genetics
Classification: Likely benign. Last evaluated: 2024-11-25. Review status: criteria provided, single submitter. Criteria: ACMG Guidelines, 2015. Collection method: clinical testing. Allele origin: germline.

Illumina Laboratory Services, Illumina
Classification: Likely benign for Congenital myasthenic syndrome 9. Last evaluated: 2018-01-12. Review status: criteria provided, single submitter. Criteria: ICSL Variant Classification Criteria 13 December 2019. Collection method: clinical testing. Allele origin: germline.
Comment: This variant was observed in the ICSL laboratory as part of a predisposition screen in an ostensibly healthy population. It had not been previously curated by ICSL or reported in the Human Gene Mutation Database (HGMD: prior to June 1st, 2018), and was therefore a candidate for classification through an automated scoring system. Utilizing variant allele frequency, disease prevalence and penetrance estimates, and inheritance mode, an automated score was calculated to assess if this variant is too frequent to cause the disease. Based on the score and internal cut-off values, a variant classified as likely benign is not then subjected to further curation. The score for this variant resulted in a classification of likely benign for this disease.

Breakthrough Genomics
Classification: Likely benign. Review status: criteria provided, single submitter. Criteria: ACMG Guidelines, 2015. Collection method: not provided. Allele origin: germline. Inheritance: Autosomal recessive inheritance. Affected: yes.

PreventionGenetics, part of Exact Sciences
Classification: Likely benign. Review status: criteria provided, single submitter. Criteria: ACMG Guidelines, 2015. Collection method: clinical testing. Allele origin: germline.